The following is an entry in ClinVar:

ClinVar aggregate classification (germline): Uncertain significance (1 of 4 stars; one submission).

Submission:

Labcorp Genetics (formerly Invitae), Labcorp
Classification: Uncertain significance. Last evaluated: 2024-05-07. Review status: criteria provided, single submitter. Criteria: Invitae Variant Classification Sherloc (09022015). Collection method: clinical testing. Allele origin: germline.
Comment: This sequence change falls in intron 8 of the STX16 gene. It does not directly change the encoded amino acid sequence of the STX16 protein. This variant is not present in population databases (gnomAD no frequency). This variant has not been reported in the literature in individuals affected with STX16-related conditions. Algorithms developed to predict the effect of sequence changes on RNA splicing suggest that this variant may disrupt the consensus splice site. In summary, the available evidence is currently insufficient to determine the role of this variant in disease. Therefore, it has been classified as a Variant of Uncertain Significance.

NM_001001433.3(STX16):c.874-20T>G

Genes: STX16 (syntaxin 16; plus strand), STX16-NPEPL1 (STX16-NPEPL1 readthrough (NMD candidate); plus strand). Cytogenetic location: 20q13.32.
Variant type: single nucleotide variant.
Coding change: c.874-20T>G on transcript NM_001001433.3 (MANE Select); 20 bases into the intron before coding-DNA position 874, T replaced by G.
Molecular consequence: intron variant.
Genome position (GRCh38, 1-based): chr20:58,676,167, T>G. VCF-style: chr20-58676167-T-G. GRCh37 (hg19) VCF-style: chr20-57251223-T-G.
Other names: c.862-20T>G (NM_001134772.3); c.823-20T>G (NM_001134773.3); c.811-20T>G (NM_003763.6); c.715-20T>G (NM_001204868.2).
Identifiers: ClinVar variation 3677917 (VCV003677917.2).
Genomic context (GRCh38, chr20:58,676,167, plus strand): 5'-AGCCTCATTCTGGAAACGAGTGGGACTTGATTTGGGATTTTGGGGAAAATGACGGCCTTT[T>G]TTCCCTCCTCTTTTTGTAGGCAGAACAGTATCAAAAGAAGAATCGGAAGATGCTTGTGAT-3'